The following is an entry in ClinVar:

ClinVar aggregate classification (germline): Uncertain significance (1 of 4 stars; one submission).

gnomAD v4.1: 6 of 1,612,862 alleles (0.00037%); highest among the groups gnomAD compares: Admixed American, 0.005%; no homozygotes.

Submission:

Labcorp Genetics (formerly Invitae), Labcorp
Classification: Uncertain significance. Last evaluated: 2025-06-05. Review status: criteria provided, single submitter. Criteria: Invitae Variant Classification Sherloc (09022015). Collection method: clinical testing. Allele origin: germline.
Comment: This sequence change replaces asparagine, which is neutral and polar, with lysine, which is basic and polar, at codon 246 of the CHRM2 protein (p.Asn246Lys). This variant is present in population databases (rs779460928, gnomAD 0.003%). This variant has not been reported in the literature in individuals affected with CHRM2-related conditions. An algorithm developed to predict the effect of missense changes on protein structure and function (PolyPhen-2) suggests that this variant is likely to be tolerated. In summary, the available evidence is currently insufficient to determine the role of this variant in disease. Therefore, it has been classified as a Variant of Uncertain Significance.

NM_001006630.2(CHRM2):c.738C>A (p.Asn246Lys)

Genes: CHRM2 (cholinergic receptor muscarinic 2; plus strand), LOC349160 (uncharacterized LOC349160; minus strand). Cytogenetic location: 7q33.
Variant type: single nucleotide variant.
Coding change: c.738C>A on transcript NM_001006630.2 (MANE Select); coding-DNA position 738, C replaced by A.
Protein change: p.Asn246Lys; replaces asparagine 246 with lysine.
Molecular consequence: missense variant.
Genome position (GRCh38, 1-based): chr7:137,015,603, C>A. VCF-style: chr7-137015603-C-A. GRCh37 (hg19) VCF-style: chr7-136700350-C-A.
Other names: c.738C>A, p.Asn246Lys (NM_001006627.3, NM_001006628.3, NM_001006629.3 and 6 more transcripts); short protein forms N246K.
Identifiers: ClinVar variation 4785697 (VCV004785697.1).